The following is an entry in ClinVar:

ClinVar aggregate classification (germline): Uncertain significance. Review status: criteria provided, multiple submitters, no conflicts (2 of 4 stars). 2 submissions from 2 submitters: Uncertain significance (2). Last evaluated 2025-07-09.

Conditions:
CAMTA1-related disorder. Also called: CAMTA1-related condition.

Allele frequency attached by ClinVar (database versions not stated): gnomAD exomes below 0.00001.
gnomAD v4.1: 1 of 1,614,220 alleles (0.000062%); highest among the groups gnomAD compares: Non-Finnish European, 0.000085%; no homozygotes.

Submissions (2):

PreventionGenetics, part of Exact Sciences
Classification: Uncertain significance for CAMTA1-related condition. Last evaluated: 2025-07-09. Review status: criteria provided, single submitter. Criteria: ACMG Guidelines, 2015. Collection method: clinical testing. Allele origin: germline.
Comment: The CAMTA1 c.3461G>A variant is predicted to result in the amino acid substitution p.Arg1154Gln. To our knowledge, this variant has not been reported in the literature or in a large population database (gnomAD), indicating this variant is rare. At this time, the clinical significance of this variant is uncertain due to the absence of conclusive functional and genetic evidence.

Labcorp Genetics (formerly Invitae), Labcorp
Classification: Uncertain significance. Last evaluated: 2022-03-15. Review status: criteria provided, single submitter. Criteria: Invitae Variant Classification Sherloc (09022015). Collection method: clinical testing. Allele origin: germline.
Comment: In summary, the available evidence is currently insufficient to determine the role of this variant in disease. Therefore, it has been classified as a Variant of Uncertain Significance. Algorithms developed to predict the effect of missense changes on protein structure and function are either unavailable or do not agree on the potential impact of this missense change (SIFT: "Deleterious"; PolyPhen-2: "Probably Damaging"; Align-GVGD: "Class C0"). This variant has not been reported in the literature in individuals affected with CAMTA1-related conditions. This variant is not present in population databases (gnomAD no frequency). This sequence change replaces arginine, which is basic and polar, with glutamine, which is neutral and polar, at codon 1154 of the CAMTA1 protein (p.Arg1154Gln).

NM_015215.4(CAMTA1):c.3461G>A (p.Arg1154Gln)

Gene: CAMTA1 (calmodulin binding transcription activator 1; plus strand). Cytogenetic location: 1p36.23.
Variant type: single nucleotide variant.
Coding change: c.3461G>A on transcript NM_015215.4 (MANE Select); coding-DNA position 3461, G replaced by A.
Protein change: p.Arg1154Gln; replaces arginine 1154 with glutamine.
Molecular consequence: missense variant.
Genome position (GRCh38, 1-based): chr1:7,737,373, G>A. VCF-style: chr1-7737373-G-A. GRCh37 (hg19) VCF-style: chr1-7797433-G-A.
Other names: c.3371G>A, p.Arg1124Gln (NM_001349608.2, NM_001349612.2); c.3461G>A, p.Arg1154Gln (NM_001349609.2, NM_001349610.2, NM_001410737.1); c.590G>A, p.Arg197Gln (NM_001349613.1); c.533G>A, p.Arg178Gln (NM_001349614.1, NM_001349615.2, NM_001349616.2 and 10 more transcripts); c.3389G>A, p.Arg1130Gln (NM_001410738.1); c.3461G>A (NM_015215.3); short protein forms R1124Q, R1154Q, R1130Q, R178Q, R197Q.
Identifiers: ClinVar variation 2112336 (VCV002112336.5), dbSNP rs2523204606, ClinGen allele CA338128234.